The following is an entry in ClinVar:

ClinVar aggregate classification (germline): Pathogenic (1 of 4 stars; one submission).

Submission:

ISCA site 4
Classification: Pathogenic. Last evaluated: 2011-08-12. Review status: criteria provided, single submitter. Criteria: Kaminsky et al. (Genet Med. 2011). Collection method: clinical testing. Allele origin: unknown. Affected: yes. Observed: 3 variant alleles. Clinical features observed: Developmental delay AND/OR other significant developmental or morphological phenotypes, Global developmental delay (HP:0001263).
Comment: Copy number variation identified through the course of routine clinical cytogenomic testing in postnatal populations. Clinical assertions have been curated as described in Kaminsky et al. 2011.

GRCh38/hg38 22q11.21(chr22:18339130-21151128)x1

Genes: AIFM3 (AIF family member 3; plus strand), ARVCF (ARVCF delta catenin family member; minus strand), C22orf39 (chromosome 22 open reading frame 39; minus strand), CCDC188 (coiled-coil domain containing 188; minus strand), CDC45 (cell division cycle 45; plus strand) and 185 more. Cytogenetic location: 22q11.21.
Variant type: copy number loss.
Change: copy number 1 (one copy instead of two) of chr22:18,339,130-21,151,128 (2.81 Mb, GRCh38 coordinates, 1-based), cytogenetic band 22q11.21.
Identifiers: ClinVar variation 160845 (VCV000160845.1).